The following is an entry in ClinVar:

NM_024496.4(IRF2BPL):c.339G>A (p.Gln113=)

Gene: IRF2BPL (interferon regulatory factor 2 binding protein like; minus strand). Cytogenetic location: 14q24.3.
Variant type: single nucleotide variant.
Coding change: c.339G>A on transcript NM_024496.4 (MANE Select); coding-DNA position 339, G replaced by A.
Protein change: p.Gln113=; no amino-acid change (glutamine 113 retained).
Molecular consequence: synonymous variant.
Genome position (GRCh38, 1-based): chr14:77,027,454, C>T on the plus strand (G>A on the coding strand, the complement: IRF2BPL is on the minus strand). VCF-style: chr14-77027454-C-T. GRCh37 (hg19) VCF-style: chr14-77493797-C-T.
Identifiers: ClinVar variation 1176332 (VCV001176332.35), dbSNP rs78762909, ClinGen allele CA7284020.

ClinVar aggregate classification (germline): Likely benign (1 of 4 stars; one submission).

Allele frequency attached by ClinVar (database versions not stated): gnomAD 0.00001; gnomAD exomes 0.00005; ExAC 0.00046.

Submission:

CeGaT Center for Human Genetics Tuebingen
Classification: Likely benign. Last evaluated: 2026-06-01. Review status: criteria provided, single submitter. Criteria: CeGaT Center For Human Genetics Tuebingen Variant Classification Criteria Version 2. Collection method: clinical testing. Allele origin: germline. Affected: yes. Observed: 24 variant alleles.
Comment: IRF2BPL: BP4, BP7